The following is an entry in ClinVar:

ClinVar aggregate classification (germline): Likely benign. Review status: criteria provided, multiple submitters, no conflicts (2 of 4 stars). 3 submissions from 3 submitters: Likely benign (2). 1 of the submissions does not count toward it. Last evaluated 2026-05-01.

Conditions:
SETD1B-related disorder. Also called: SETD1B-related condition.

Allele frequency attached by ClinVar (database versions not stated): 1000 Genomes Project 30x 0.00047; 1000 Genomes Project 0.00060.
gnomAD v4.1: 442 of 1,551,412 alleles (0.028%); highest among the groups gnomAD compares: South Asian, 0.33%; 4 homozygotes.

Submissions (3):

CeGaT Center for Human Genetics Tuebingen
Classification: Likely benign. Last evaluated: 2026-05-01. Review status: criteria provided, single submitter. Criteria: CeGaT Center For Human Genetics Tuebingen Variant Classification Criteria Version 2. Collection method: clinical testing. Allele origin: germline. Affected: yes. Observed: 2 variant alleles.
Comment: SETD1B: PP2, BS1

Blueprint Genetics
Classification: Likely benign. Last evaluated: 2024-09-03. Review status: criteria provided, single submitter. Criteria: ACMG Guidelines, 2015. Collection method: clinical testing. Allele origin: germline.

PreventionGenetics, part of Exact Sciences
Classification: Likely benign for SETD1B-related condition. Last evaluated: 2023-04-08. Review status: no assertion criteria provided. Collection method: clinical testing. Allele origin: germline. Not counted in ClinVar's aggregate classification.
Comment: This variant is classified as likely benign based on ACMG/AMP sequence variant interpretation guidelines (Richards et al. 2015 PMID: 25741868, with internal and published modifications).

NM_001353345.2(SETD1B):c.3994C>T (p.Arg1332Trp)

Gene: SETD1B (SET domain containing 1B, histone lysine methyltransferase; plus strand). Cytogenetic location: 12q24.31.
Variant type: single nucleotide variant.
Coding change: c.3994C>T on transcript NM_001353345.2 (MANE Select); coding-DNA position 3994, C replaced by T.
Protein change: p.Arg1332Trp; replaces arginine 1332 with tryptophan.
Molecular consequence: missense variant.
Genome position (GRCh38, 1-based): chr12:121,822,573, C>T. VCF-style: chr12-121822573-C-T. GRCh37 (hg19) VCF-style: chr12-122260479-C-T.
Other names: NM_015048.1:c.3865C>T; short protein forms R1332W.
Identifiers: ClinVar variation 3046785 (VCV003046785.9), dbSNP rs372668133, ClinGen allele CA6839134.